The following is an entry in ClinVar:

ClinVar aggregate classification (germline): Conflicting classifications of pathogenicity. Review status: criteria provided, conflicting classifications (1 of 4 stars). 5 submissions from 5 submitters: Uncertain significance (3); Likely benign (1). 1 of the submissions does not count toward it. Last evaluated 2024-04-19.

Conditions:
CACNA1A-related disorder. Also called: CACNA1A-related condition.
Developmental and epileptic encephalopathy, 42 (DEE42A). Also called: Epileptic encephalopathy, early infantile, 42; DEVELOPMENTAL AND EPILEPTIC ENCEPHALOPATHY 42A; EPILEPTIC ENCEPHALOPATHY, EARLY INFANTILE, 42A. Identifiers: MedGen C4310716, MONDO:0014917, OMIM 617106.
Episodic ataxia type 2 (EA2). Also called: ATAXIA, EPISODIC, WITH NYSTAGMUS; ATAXIA, FAMILIAL PAROXYSMAL; CEREBELLAR ATAXIA, PAROXYSMAL, ACETAZOLAMIDE-RESPONSIVE; CEREBELLOPATHY, HEREDITARY PAROXYSMAL; EPISODIC ATAXIA, NYSTAGMUS-ASSOCIATED; ACETAZOLAMIDE-RESPONSIVE HEREDITARY PAROXYSMAL CEREBELLAR ATAXIA. Identifiers: Orphanet 97, MedGen C1720416, MONDO:0007163, OMIM 108500.

Allele frequency attached by ClinVar (database versions not stated): gnomAD 0.00001; gnomAD exomes 0.00001; TOPMed 0.00002.
gnomAD v4.1: 12 of 1,613,622 alleles (0.00074%); highest among the groups gnomAD compares: African/African-American, 0.0027%; no homozygotes.

Submissions (5):

GeneDx
Classification: Uncertain significance. Last evaluated: 2024-04-19. Review status: criteria provided, single submitter. Criteria: GeneDx Variant Classification Process June 2021. Collection method: clinical testing. Allele origin: germline. Affected: yes.
Comment: Has not been previously published as pathogenic or benign to our knowledge; In silico analysis, which includes protein predictors and evolutionary conservation, supports that this variant does not alter protein structure/function; Not observed at significant frequency in large population cohorts (gnomAD)

CeGaT Center for Human Genetics Tuebingen
Classification: Uncertain significance. Last evaluated: 2023-11-01. Review status: criteria provided, single submitter. Criteria: CeGaT Center For Human Genetics Tuebingen Variant Classification Criteria Version 2. Collection method: clinical testing. Allele origin: germline. Affected: yes. Observed: 1 variant allele.
Comment: CACNA1A: PM2, PP2

Labcorp Genetics (formerly Invitae), Labcorp
Classification: Likely benign for Developmental and epileptic encephalopathy, 42; Episodic ataxia type 2. Last evaluated: 2023-03-11. Review status: criteria provided, single submitter. Criteria: Invitae Variant Classification Sherloc (09022015). Collection method: clinical testing. Allele origin: germline.

Revvity Omics, Revvity
Classification: Uncertain significance. Last evaluated: 2020-04-23. Review status: criteria provided, single submitter. Criteria: ACMG Guidelines, 2015. Collection method: clinical testing. Allele origin: germline.

PreventionGenetics, part of Exact Sciences
Classification: Uncertain significance for CACNA1A-related condition. Last evaluated: 2024-03-25. Review status: no assertion criteria provided. Collection method: clinical testing. Allele origin: germline. Not counted in ClinVar's aggregate classification.
Comment: The CACNA1A c.2198C>T variant is predicted to result in the amino acid substitution p.Ala733Val. To our knowledge, this variant has not been reported in the literature or in a large population database, indicating this variant is rare. At this time, the clinical significance of this variant is uncertain due to the absence of conclusive functional and genetic evidence.

NM_001127222.2(CACNA1A):c.2198C>T (p.Ala733Val)

Gene: CACNA1A (calcium voltage-gated channel subunit alpha1 A; minus strand). Cytogenetic location: 19p13.13.
Variant type: single nucleotide variant.
Coding change: c.2198C>T on transcript NM_001127222.2 (MANE Select); coding-DNA position 2198, C replaced by T.
Protein change: p.Ala733Val; replaces alanine 733 with valine.
Molecular consequence: missense variant.
Genome position (GRCh38, 1-based): chr19:13,300,631, G>A on the plus strand (C>T on the coding strand, the complement: CACNA1A is on the minus strand). VCF-style: chr19-13300631-G-A. GRCh37 (hg19) VCF-style: chr19-13411445-G-A.
Other names: c.2210C>T, p.Ala737Val (NM_000068.4, NM_023035.3); c.2201C>T, p.Ala734Val (NM_001127221.2, NM_001174080.2); c.2198C>T (NM_001127222.1); short protein forms A733V, A734V, A737V.
Identifiers: ClinVar variation 1133949 (VCV001133949.35), dbSNP rs1335209785, ClinGen allele CA404343998.